The following is an entry in ClinVar:

NM_000274.4(OAT):c.478G>A (p.Val160Met)

Gene: OAT (ornithine aminotransferase; minus strand). Cytogenetic location: 10q26.13.
Variant type: single nucleotide variant.
Coding change: c.478G>A on transcript NM_000274.4 (MANE Select); coding-DNA position 478, G replaced by A.
Protein change: p.Val160Met; replaces valine 160 with methionine.
Molecular consequence: missense variant. On other transcripts: 5 prime UTR variant (1), intron variant (1).
Genome position (GRCh38, 1-based): chr10:124,408,584, C>T on the plus strand (G>A on the coding strand, the complement: OAT is on the minus strand). VCF-style: chr10-124408584-C-T. GRCh37 (hg19) VCF-style: chr10-126097153-C-T.
Other names: c.64G>A, p.Val22Met (NM_001171814.2); c.478G>A, p.Val160Met (NM_001322965.2, NM_001322966.2, NM_001322967.2 and 3 more transcripts); c.-237G>A (NM_001322974.2); c.200-3021G>A (NM_001322971.2); short protein forms V22M, V160M.
Identifiers: ClinVar variation 878556 (VCV000878556.15), dbSNP rs148433929, ClinGen allele CA5733524.

ClinVar aggregate classification (germline): Conflicting classifications of pathogenicity. Review status: criteria provided, conflicting classifications (1 of 4 stars). 7 submissions from 7 submitters: Uncertain significance (3); Likely benign (3). 1 of the submissions does not count toward it. Last evaluated 2026-01-21.

Conditions:
OAT-related disorder. Also called: OAT-related condition.
Inborn genetic diseases. Identifiers: MedGen C0950123, MeSH D030342.
Ornithine aminotransferase deficiency (GACR). Also called: OKT DEFICIENCY; HYPERORNITHINEMIA WITH GYRATE ATROPHY OF CHOROID AND RETINA; Ornithine ketoacid aminotransferase deficiency; Gyrate atrophy; Gyrate atrophy of choroid and retina; Girate atrophy of the retina. Identifiers: Orphanet 414, MedGen C0018425, MONDO:0009796, OMIM 258870.

Allele frequency attached by ClinVar (database versions not stated): gnomAD 0.00011 and 0.00013; 1000 Genomes Project 30x 0.00016; ExAC 0.00017; gnomAD exomes 0.00017 and 0.00021; TOPMed 0.00017; 1000 Genomes Project 0.00020; ESP Exome Variant Server 0.00031.

Submissions (7):

Labcorp Genetics (formerly Invitae), Labcorp
Classification: Likely benign for Ornithine aminotransferase deficiency. Last evaluated: 2026-01-21. Review status: criteria provided, single submitter. Criteria: Invitae Variant Classification Sherloc (09022015). Collection method: clinical testing. Allele origin: germline.

PreventionGenetics, part of Exact Sciences
Classification: Likely benign for OAT-related condition. Last evaluated: 2025-07-16. Review status: criteria provided, single submitter. Criteria: ACMG Guidelines, 2015. Collection method: clinical testing. Allele origin: germline.
Comment: This variant is classified as likely benign based on ACMG/AMP sequence variant interpretation guidelines (Richards et al. 2015 PMID: 25741868, with internal and published modifications).

Blueprint Genetics
Classification: Likely benign. Last evaluated: 2024-08-21. Review status: criteria provided, single submitter. Criteria: ACMG Guidelines, 2015. Collection method: clinical testing. Allele origin: germline.

Ambry Genetics
Classification: Uncertain significance for Inborn genetic diseases. Last evaluated: 2023-09-26. Review status: criteria provided, single submitter. Criteria: Ambry Variant Classification Scheme 2023. Collection method: clinical testing. Allele origin: germline.

Baylor Genetics
Classification: Uncertain significance for Ornithine aminotransferase deficiency. Last evaluated: 2020-04-13. Review status: criteria provided, single submitter. Criteria: ACMG Guidelines, 2015. Collection method: clinical testing. Allele origin: unknown. Affected: yes.
Comment: This variant was determined to be of uncertain significance according to ACMG Guidelines, 2015 [PMID:25741868].

Illumina Laboratory Services, Illumina
Classification: Uncertain significance for Ornithine aminotransferase deficiency. Last evaluated: 2017-04-28. Review status: criteria provided, single submitter. Criteria: ICSL Variant Classification Criteria 13 December 2019. Collection method: clinical testing. Allele origin: germline.

Natera, Inc.
Classification: Uncertain significance for Gyrate atrophy. Last evaluated: 2020-04-11. Review status: no assertion criteria provided. Collection method: clinical testing. Allele origin: germline. Not counted in ClinVar's aggregate classification.